The following is an entry in ClinVar:

NM_080473.5(GATA5):c.860T>C (p.Ile287Thr)

Gene: GATA5 (GATA binding protein 5; minus strand). Cytogenetic location: 20q13.33.
Variant type: single nucleotide variant.
Coding change: c.860T>C on transcript NM_080473.5 (MANE Select); coding-DNA position 860, T replaced by C.
Protein change: p.Ile287Thr; replaces isoleucine 287 with threonine.
Molecular consequence: missense variant.
Genome position (GRCh38, 1-based): chr20:62,465,887, A>G on the plus strand (T>C on the coding strand, the complement: GATA5 is on the minus strand). VCF-style: chr20-62465887-A-G. GRCh37 (hg19) VCF-style: chr20-61040943-A-G.
Other names: short protein forms I287T.
Identifiers: ClinVar variation 4743097 (VCV004743097.1).

ClinVar aggregate classification (germline): Uncertain significance (1 of 4 stars; one submission).

Submission:

Labcorp Genetics (formerly Invitae), Labcorp
Classification: Uncertain significance. Last evaluated: 2025-11-19. Review status: criteria provided, single submitter. Criteria: Invitae Variant Classification Sherloc (09022015). Collection method: clinical testing. Allele origin: germline.
Comment: This sequence change replaces isoleucine, which is neutral and non-polar, with threonine, which is neutral and polar, at codon 287 of the GATA5 protein (p.Ile287Thr). This variant is not present in population databases (gnomAD no frequency). This variant has not been reported in the literature in individuals affected with GATA5-related conditions. Invitae Evidence Modeling of protein sequence and biophysical properties (such as structural, functional, and spatial information, amino acid conservation, physicochemical variation, residue mobility, and thermodynamic stability) indicates that this missense variant is expected to disrupt GATA5 protein function with a positive predictive value of 80%. In summary, the available evidence is currently insufficient to determine the role of this variant in disease. Therefore, it has been classified as a Variant of Uncertain Significance.